The following is an entry in ClinVar:

ClinVar aggregate classification (germline): Pathogenic (1 of 4 stars; one submission).

Conditions:
Familial cancer of breast. Also called: hereditary breast carcinoma; BREAST CANCER, FAMILIAL; Hereditary breast cancer. Identifiers: Orphanet 227535, MedGen C0346153, MONDO:0016419, OMIM 114480. Disease mechanism: loss of function.

Submission:

Labcorp Genetics (formerly Invitae), Labcorp
Classification: Pathogenic for Familial cancer of breast. Last evaluated: 2024-02-07. Review status: criteria provided, single submitter. Criteria: Invitae Variant Classification Sherloc (09022015). Collection method: clinical testing. Allele origin: germline.
Comment: This sequence change creates a premature translational stop signal (p.Glu646*) in the BARD1 gene. It is expected to result in an absent or disrupted protein product. Loss-of-function variants in BARD1 are known to be pathogenic (PMID: 20077502, 21344236). This variant is not present in population databases (gnomAD no frequency). This variant has not been reported in the literature in individuals affected with BARD1-related conditions. For these reasons, this variant has been classified as Pathogenic.

Literature cited by the submitters: PubMed 20077502; PubMed 21344236.

NM_000465.4(BARD1):c.1936G>T (p.Glu646Ter)

Gene: BARD1 (BRCA1 associated RING domain 1; minus strand). Cytogenetic location: 2q35.
Variant type: single nucleotide variant.
Coding change: c.1936G>T on transcript NM_000465.4 (MANE Select); coding-DNA position 1936, G replaced by T.
Protein change: p.Glu646Ter; replaces glutamic acid 646 with a stop codon.
Molecular consequence: nonsense. On other transcripts: non-coding transcript variant (3).
Genome position (GRCh38, 1-based): chr2:214,730,476, C>A on the plus strand (G>T on the coding strand, the complement: BARD1 is on the minus strand). VCF-style: chr2-214730476-C-A. GRCh37 (hg19) VCF-style: chr2-215595200-C-A.
Other names: c.1879G>T, p.Glu627Ter (NM_001282543.2); c.583G>T, p.Glu195Ter (NM_001282545.2); c.526G>T, p.Glu176Ter (NM_001282548.2); c.397G>T, p.Glu133Ter (NM_001282549.2); short protein forms E195*, E176*, E627*, E646*, E133*.
Identifiers: ClinVar variation 3695437 (VCV003695437.2).
Genomic context (GRCh38, chr2:214,730,476, plus strand): 5'-GTTCTCTGTTGAGCCTGCTTCTGCGTGGACCTTCAGGAATTTCATACTTTTCTTCCTGTT[C>A]ACATACTTTTCTTCGTAGACATGCTTTTACCCCTGACAAAAACACAAGAATTAAAGCAAA-3'